The following is an entry in ClinVar:

ClinVar aggregate classification (germline): Uncertain significance. Review status: criteria provided, multiple submitters, no conflicts (2 of 4 stars). 3 submissions from 3 submitters: Uncertain significance (3). Last evaluated 2025-08-09.

Conditions:
Ehlers-Danlos syndrome, spondylodysplastic type, 2 (EDSSPD2). Also called: Ehlers-Danlos syndrome, progeroid type, 2. Identifiers: Orphanet 536467, Orphanet 75496, MedGen C3809210, MONDO:0014139, OMIM 615349.
Spondyloepimetaphyseal dysplasia with joint laxity (SEMDJL). Identifiers: MedGen C0432243, MONDO:0019675.
Inborn genetic diseases. Identifiers: MedGen C0950123, MeSH D030342.

Allele frequency attached by ClinVar (database versions not stated): gnomAD exomes 0.00001; TOPMed 0.00002; gnomAD 0.00003 and 0.00004.

Submissions (3):

Ambry Genetics
Classification: Uncertain significance for Inborn genetic diseases. Last evaluated: 2025-08-09. Review status: criteria provided, single submitter. Criteria: Ambry Variant Classification Scheme 2023. Collection method: clinical testing. Allele origin: germline.

Labcorp Genetics (formerly Invitae), Labcorp
Classification: Uncertain significance for Ehlers-Danlos syndrome, spondylodysplastic type, 2; Spondyloepimetaphyseal dysplasia with joint laxity. Last evaluated: 2023-09-10. Review status: criteria provided, single submitter. Criteria: Invitae Variant Classification Sherloc (09022015). Collection method: clinical testing. Allele origin: germline.
Comment: In summary, the available evidence is currently insufficient to determine the role of this variant in disease. Therefore, it has been classified as a Variant of Uncertain Significance. Advanced modeling of protein sequence and biophysical properties (such as structural, functional, and spatial information, amino acid conservation, physicochemical variation, residue mobility, and thermodynamic stability) performed at Invitae indicates that this missense variant is not expected to disrupt B3GALT6 protein function. ClinVar contains an entry for this variant (Variation ID: 1306696). This variant has not been reported in the literature in individuals affected with B3GALT6-related conditions. The frequency data for this variant in the population databases is considered unreliable, as metrics indicate poor data quality at this position in the gnomAD database. This sequence change replaces glutamic acid, which is acidic and polar, with lysine, which is basic and polar, at codon 296 of the B3GALT6 protein (p.Glu296Lys).

GeneDx
Classification: Uncertain significance. Last evaluated: 2019-06-27. Review status: criteria provided, single submitter. Criteria: GeneDx Variant Classification Process June 2021. Collection method: clinical testing. Allele origin: germline. Affected: yes.
Comment: Not observed at a significant frequency in large population cohorts (Lek et al., 2016); In silico analysis, which includes protein predictors and evolutionary conservation, supports that this variant does not alter protein structure/function; Has not been previously published as pathogenic or benign to our knowledge

NM_080605.4(B3GALT6):c.886G>A (p.Glu296Lys)

Gene: B3GALT6 (beta-1,3-galactosyltransferase 6; plus strand). Cytogenetic location: 1p36.33.
Variant type: single nucleotide variant.
Coding change: c.886G>A on transcript NM_080605.4 (MANE Select); coding-DNA position 886, G replaced by A.
Protein change: p.Glu296Lys; replaces glutamic acid 296 with lysine.
Molecular consequence: missense variant.
Genome position (GRCh38, 1-based): chr1:1,233,164, G>A. VCF-style: chr1-1233164-G-A. GRCh37 (hg19) VCF-style: chr1-1168544-G-A.
Other names: short protein forms E296K.
Identifiers: ClinVar variation 1306696 (VCV001306696.6), dbSNP rs1267101770, ClinGen allele CA337830228.